The following is an entry in ClinVar:

NM_002161.6(IARS1):c.2791+4G>C

Gene: IARS1 (isoleucyl-tRNA synthetase 1; minus strand). Cytogenetic location: 9q22.31.
Variant type: single nucleotide variant.
Coding change: c.2791+4G>C on transcript NM_002161.6 (MANE Select); 4 bases into the intron after coding-DNA position 2791, G replaced by C.
Molecular consequence: intron variant.
Genome position (GRCh38, 1-based): chr9:92,247,373, C>G on the plus strand (G>C on the coding strand, the complement: IARS1 is on the minus strand). VCF-style: chr9-92247373-C-G. GRCh37 (hg19) VCF-style: chr9-95009655-C-G.
Other names: c.2791+4G>C (NM_001378573.1, NM_001378577.1, NM_001378585.1 and 9 more transcripts); c.2668+4G>C (NM_001378583.1); c.2707+4G>C (NM_001374301.1); c.2695+4G>C (NM_001378582.1); c.2716+4G>C (NM_001378584.1, NM_001374299.1, NM_001374300.1); c.2812+4G>C (NM_001378571.1); c.2854+4G>C (NM_001378569.1).
Identifiers: ClinVar variation 4736739 (VCV004736739.1).

ClinVar aggregate classification (germline): Uncertain significance (1 of 4 stars; one submission).

gnomAD v4.1: 126 of 1,612,886 alleles (0.0078%); highest among the groups gnomAD compares: Non-Finnish European, 0.011%; no homozygotes.

Submission:

Labcorp Genetics (formerly Invitae), Labcorp
Classification: Uncertain significance. Last evaluated: 2025-03-27. Review status: criteria provided, single submitter. Criteria: Invitae Variant Classification Sherloc (09022015). Collection method: clinical testing. Allele origin: germline.
Comment: This sequence change falls in intron 26 of the IARS gene. It does not directly change the encoded amino acid sequence of the IARS protein. It affects a nucleotide within the consensus splice site. This variant is present in population databases (rs372931568, gnomAD 0.02%). This variant has not been reported in the literature in individuals affected with IARS-related conditions. Variants that disrupt the consensus splice site are a relatively common cause of aberrant splicing (PMID: 17576681, 9536098). Algorithms developed to predict the effect of sequence changes on RNA splicing suggest that this variant is not likely to affect RNA splicing. In summary, the available evidence is currently insufficient to determine the role of this variant in disease. Therefore, it has been classified as a Variant of Uncertain Significance.

Literature cited by the submitters: PubMed 17576681; PubMed 9536098.